The following is an entry in ClinVar:

NM_001080467.3(MYO5B):c.2650C>T (p.Arg884Trp)

Gene: MYO5B (myosin VB; minus strand). Cytogenetic location: 18q21.1.
Variant type: single nucleotide variant.
Coding change: c.2650C>T on transcript NM_001080467.3 (MANE Select); coding-DNA position 2650, C replaced by T.
Protein change: p.Arg884Trp; replaces arginine 884 with tryptophan.
Molecular consequence: missense variant.
Genome position (GRCh38, 1-based): chr18:49,902,755, G>A on the plus strand (C>T on the coding strand, the complement: MYO5B is on the minus strand). VCF-style: chr18-49902755-G-A. GRCh37 (hg19) VCF-style: chr18-47429125-G-A.
Other names: c.2650C>T (NM_001080467.2); short protein forms R884W.
Identifiers: ClinVar variation 1396247 (VCV001396247.9), dbSNP rs753951906, ClinGen allele CA8960980.

ClinVar aggregate classification (germline): Uncertain significance. Review status: criteria provided, multiple submitters, no conflicts (2 of 4 stars). 3 submissions from 3 submitters: Uncertain significance (3). Last evaluated 2026-07-07.

Conditions:
Inborn genetic diseases. Identifiers: MedGen C0950123, MeSH D030342.
MYO5B-related disorder. Also called: MYO5B-related condition.

Allele frequency attached by ClinVar (database versions not stated): TOPMed 0.00002; gnomAD 0.00004 and 0.00005; gnomAD exomes 0.00006 and 0.00011; ExAC 0.00011.

Submissions (3):

PreventionGenetics, part of Exact Sciences
Classification: Uncertain significance for MYO5B-related condition. Last evaluated: 2026-07-07. Review status: criteria provided, single submitter. Criteria: ACMG Guidelines, 2015. Collection method: clinical testing. Allele origin: germline.
Comment: The MYO5B c.2650C>T variant is predicted to result in the amino acid substitution p.Arg884Trp. To our knowledge, this variant has not been reported in the literature. This variant is reported in 0.056% of alleles in individuals of European (Finnish) descent in gnomAD. At this time, the clinical significance of this variant is uncertain due to the absence of conclusive functional and genetic evidence.

Ambry Genetics
Classification: Uncertain significance for Inborn genetic diseases. Last evaluated: 2025-05-21. Review status: criteria provided, single submitter. Criteria: Ambry Variant Classification Scheme 2023. Collection method: clinical testing. Allele origin: germline.

Labcorp Genetics (formerly Invitae), Labcorp
Classification: Uncertain significance. Last evaluated: 2022-06-23. Review status: criteria provided, single submitter. Criteria: Invitae Variant Classification Sherloc (09022015). Collection method: clinical testing. Allele origin: germline.
Comment: This sequence change replaces arginine, which is basic and polar, with tryptophan, which is neutral and slightly polar, at codon 884 of the MYO5B protein (p.Arg884Trp). This variant is present in population databases (rs753951906, gnomAD 0.05%). This variant has not been reported in the literature in individuals affected with MYO5B-related conditions. Algorithms developed to predict the effect of missense changes on protein structure and function (SIFT, PolyPhen-2, Align-GVGD) all suggest that this variant is likely to be disruptive. In summary, the available evidence is currently insufficient to determine the role of this variant in disease. Therefore, it has been classified as a Variant of Uncertain Significance.